The following is an entry in ClinVar:

NM_000059.4(BRCA2):c.6662_6663insAAAG (p.Asn2221fs)

Gene: BRCA2 (BRCA2 DNA repair associated; plus strand). Cytogenetic location: 13q13.1.
Variant type: Insertion.
Coding change: c.6662_6663insAAAG on transcript NM_000059.4 (MANE Select); coding-DNA positions 6662 to 6663, AAAG inserted.
Protein change: p.Asn2221fs; shifts the reading frame from asparagine 2221.
Molecular consequence: frameshift variant.
Genome position: GRCh38 VCF-style: chr13-32341017-A-AAAAG. GRCh37 (hg19) VCF-style: chr13-32915154-A-AAAAG.
Other names: short protein forms N2221fs.
Identifiers: ClinVar variation 548374 (VCV000548374.1), dbSNP rs1555284786, ClinGen allele CA658823613.

ClinVar aggregate classification (germline): Pathogenic (3 of 4 stars; one submission).

Conditions:
Breast-ovarian cancer, familial, susceptibility to, 2 (BROVCA2). Also called: BRCA2 Hereditary Breast and Ovarian Cancer. Identifiers: Orphanet 145, MedGen C2675520, MONDO:0012933, OMIM 612555. Disease mechanism: loss of function.

Submission:

Evidence-based Network for the Interpretation of Germline Mutant Alleles (ENIGMA)
Classification: Pathogenic for Breast-ovarian cancer, familial, susceptibility to, 2. Last evaluated: 2017-12-15. Review status: reviewed by expert panel. Criteria: ENIGMA BRCA1/2 Classification Criteria (2017-06-29). Collection method: curation. Allele origin: germline. Study: ENIGMA.
Comment: Variant allele predicted to encode a truncated non-functional protein.